The following is an entry in ClinVar:

Conditions:
Long QT syndrome 5 (LQT5). Identifiers: Orphanet 101016, Orphanet 768, MedGen C1867904, MONDO:0013372, OMIM 613695.

Submission:

Roden Lab, Vanderbilt University Medical Center
No classification provided (evidence only). Condition: Long QT syndrome 5. Review status: no classification provided. Collection method: in vitro. Allele origin: not applicable. Functional consequence: Effect on ion channel function.
ClinVar note: "not provided" was previously submitted as the classification for the variant. However, the classification appeared to be based only on an observation of functional data so it was converted to no classification on 2025-07-30.

NM_000219.6(KCNE1):c.154G>C (p.Gly52Arg)

Gene: KCNE1 (potassium voltage-gated channel subfamily E regulatory subunit 1; minus strand). Cytogenetic location: 21q22.12.
Variant type: single nucleotide variant.
Coding change: c.154G>C on transcript NM_000219.6 (MANE Select); coding-DNA position 154, G replaced by C.
Protein change: p.Gly52Arg; replaces glycine 52 with arginine.
Molecular consequence: missense variant.
Genome position (GRCh38, 1-based): chr21:34,449,481, C>G on the plus strand (G>C on the coding strand, the complement: KCNE1 is on the minus strand). VCF-style: chr21-34449481-C-G. GRCh37 (hg19) VCF-style: chr21-35821779-C-G.
Other names: c.154G>C, p.Gly52Arg (NM_001127668.4, NM_001127669.4, NM_001127670.4 and 4 more transcripts); short protein forms G52R.
Identifiers: ClinVar variation 3374188 (VCV003374188.2).